The following is an entry in ClinVar:

ClinVar aggregate classification (germline): Likely pathogenic (1 of 4 stars; one submission).

Submission:

Dasa
Classification: Likely pathogenic. Last evaluated: 2024-11-25. Review status: criteria provided, single submitter. Criteria: DASA Assertion Criteria. Collection method: clinical testing. Allele origin: germline.
Comment: NM_004211.5(SLC6A5):c.1796_1797del (p.Arg599Hisfs*49) is a frameshift variant in SLC6A5 predicted to alter the reading frame and introduce a premature termination codon and is predicted to result in an absent or altered protein product. Loss of function is an established disease mechanism for SLC6A5-associated disorders. Also, this variant is absent from population databases. Based on the currently available evidence, this variant is classified as likely pathogenic.

NM_004211.5(SLC6A5):c.1796_1797del (p.Arg599fs)

Gene: SLC6A5 (solute carrier family 6 member 5; plus strand). Cytogenetic location: 11p15.1.
Variant type: Deletion.
Coding change: c.1796_1797del on transcript NM_004211.5 (MANE Select); coding-DNA positions 1796 to 1797, 2 bases deleted (GC; older notation c.1796_1797delGC).
Protein change: p.Arg599fs; shifts the reading frame from arginine 599.
Molecular consequence: frameshift variant.
Genome position (GRCh38, 1-based): chr11:20,637,230-20,637,231, GC deleted; deleting any 2 consecutive bases within chr11:20,637,229-20,637,231 gives the same sequence; the c. name uses the placement nearest the transcript's 3' end. VCF-style (leftmost placement, unchanged base first): chr11-20637228-ACG-A. GRCh37 (hg19) VCF-style: chr11-20658774-ACG-A.
Other names: c.1094_1095del, p.Arg365fs (NM_001318369.2); short protein forms R365fs, R599fs.
Identifiers: ClinVar variation 4880705 (VCV004880705.2).